The following is an entry in ClinVar:

NM_014956.5(CEP164):c.1650C>A (p.Gly550=)

Gene: CEP164 (centrosomal protein 164; plus strand). Cytogenetic location: 11q23.3.
Variant type: single nucleotide variant.
Coding change: c.1650C>A on transcript NM_014956.5 (MANE Select); coding-DNA position 1650, C replaced by A.
Protein change: p.Gly550=; no amino-acid change (glycine 550 retained).
Molecular consequence: synonymous variant. On other transcripts: intron variant (27).
Genome position (GRCh38, 1-based): chr11:117,382,868, C>A. VCF-style: chr11-117382868-C-A. GRCh37 (hg19) VCF-style: chr11-117253584-C-A.
Other names: c.1659C>A, p.Gly553= (NM_001271933.2, NM_001440949.1); c.1650C>A, p.Gly550= (NM_001440950.1, NM_001440951.1, NM_001440953.1 and 1 more transcripts); c.1572C>A, p.Gly524= (NM_001440954.1, NM_001440955.1, NM_001440958.1 and 2 more transcripts); c.1521C>A, p.Gly507= (NM_001440960.1); c.1491C>A, p.Gly497= (NM_001440972.1); c.1586+1000C>A (NM_001440967.1, NM_001440961.1); c.1637+1000C>A (NM_001440956.1, NM_001440957.1); c.1577+1000C>A (NM_001440962.1, NM_001440970.1, NM_001440964.1 and 6 more transcripts); and 2 more.
Identifiers: ClinVar variation 4983534 (VCV004983534.1).

ClinVar aggregate classification (germline): Likely benign (1 of 4 stars; one submission).

Conditions:
CEP164-related disorder. Also called: CEP164-related condition.

Submission:

PreventionGenetics, part of Exact Sciences
Classification: Likely benign for CEP164-related condition. Last evaluated: 2025-04-14. Review status: criteria provided, single submitter. Criteria: ACMG Guidelines, 2015. Collection method: clinical testing. Allele origin: germline.
Comment: This variant is classified as likely benign based on ACMG/AMP sequence variant interpretation guidelines (Richards et al. 2015 PMID: 25741868, with internal and published modifications).